The following is an entry in ClinVar:

ClinVar aggregate classification (germline): Uncertain significance. Review status: criteria provided, multiple submitters, no conflicts (2 of 4 stars). 2 submissions from 2 submitters: Uncertain significance (2). Last evaluated 2023-03-20.

Conditions:
Deficiency of 2-methylbutyryl-CoA dehydrogenase (ACADSB). Also called: 2-methylbutyrylglycinuria; 2-methylbutyryl-CoA dehydrogenase deficiency; SBCAD deficiency; 2-methylbutyric aciduria; Short branched-chain acyl-CoA dehydrogenase deficiency. Identifiers: Orphanet 79157, MedGen C1864912, MONDO:0012392, OMIM 610006, HP:0020147.

Allele frequency attached by ClinVar (database versions not stated): ExAC 0.00001; gnomAD exomes 0.00001; ESP Exome Variant Server 0.00008.
gnomAD v4.1: 1 of 1,611,554 alleles (0.000062%); highest among the groups gnomAD compares: Admixed American, 0.0017%; no homozygotes.

Submissions (2):

Revvity Omics, Revvity
Classification: Uncertain significance for Deficiency of 2-methylbutyryl-CoA dehydrogenase. Last evaluated: 2023-03-20. Review status: criteria provided, single submitter. Criteria: ACMG Guidelines, 2015. Collection method: clinical testing. Allele origin: germline.

Labcorp Genetics (formerly Invitae), Labcorp
Classification: Uncertain significance for Deficiency of 2-methylbutyryl-CoA dehydrogenase. Last evaluated: 2021-09-17. Review status: criteria provided, single submitter. Criteria: Invitae Variant Classification Sherloc (09022015). Collection method: clinical testing. Allele origin: germline.
Comment: This sequence change replaces methionine with valine at codon 89 of the ACADSB protein (p.Met89Val). The methionine residue is moderately conserved and there is a small physicochemical difference between methionine and valine. This variant is present in population databases (rs372537859, ExAC 0.002%). This variant has not been reported in the literature in individuals with ACADSB-related conditions. Algorithms developed to predict the effect of missense changes on protein structure and function output the following: SIFT: "Tolerated"; PolyPhen-2: "Benign"; Align-GVGD: "Class C0". The valine amino acid residue is found in multiple mammalian species, suggesting that this missense change does not adversely affect protein function. These predictions have not been confirmed by published functional studies and their clinical significance is uncertain. In summary, the available evidence is currently insufficient to determine the role of this variant in disease. Therefore, it has been classified as a Variant of Uncertain Significance.

NM_001609.4(ACADSB):c.265A>G (p.Met89Val)

Gene: ACADSB (acyl-CoA dehydrogenase short/branched chain; plus strand). Cytogenetic location: 10q26.13.
Variant type: single nucleotide variant.
Coding change: c.265A>G on transcript NM_001609.4 (MANE Select); coding-DNA position 265, A replaced by G.
Protein change: p.Met89Val; replaces methionine 89 with valine.
Molecular consequence: missense variant. On other transcripts: intron variant (1).
Genome position (GRCh38, 1-based): chr10:123,037,809, A>G. VCF-style: chr10-123037809-A-G. GRCh37 (hg19) VCF-style: chr10-124797325-A-G.
Other names: c.-3-2657A>G (NM_001330174.3); short protein forms M89V.
Identifiers: ClinVar variation 1410042 (VCV001410042.7), dbSNP rs372537859, ClinGen allele CA5730667.